The following is an entry in ClinVar:

NM_001267550.2(TTN):c.104417A>C (p.Gln34806Pro)

Genes: TTN-AS1 (TTN antisense RNA 1; plus strand), TTN (titin; minus strand). Cytogenetic location: 2q31.2.
Variant type: single nucleotide variant.
Coding change: c.104417A>C on transcript NM_001267550.2 (MANE Select); coding-DNA position 104417, A replaced by C.
Protein change: p.Gln34806Pro; replaces glutamine 34806 with proline.
Molecular consequence: missense variant.
Genome position (GRCh38, 1-based): chr2:178,532,198, T>G on the plus strand (A>C on the coding strand, the complement: TTN is on the minus strand). VCF-style: chr2-178532198-T-G. GRCh37 (hg19) VCF-style: chr2-179396925-T-G.
Other names: c.99494A>C, p.Gln33165Pro (NM_001256850.1); c.77222A>C, p.Gln25741Pro (NM_003319.4); c.96713A>C, p.Gln32238Pro (NM_133378.4); c.77597A>C, p.Gln25866Pro (NM_133432.3); c.77798A>C, p.Gln25933Pro (NM_133437.4); short protein forms Q25866P, Q34806P, Q25741P, Q25933P, Q32238P, Q33165P.
Identifiers: ClinVar variation 2112120 (VCV002112120.4), dbSNP rs1184568695, ClinGen allele CA349411780.

ClinVar aggregate classification (germline): Uncertain significance (1 of 4 stars; one submission).

Conditions:
Dilated cardiomyopathy 1G (CMD1G). Identifiers: Orphanet 154, MedGen C1858763, MONDO:0011400, OMIM 604145.
Autosomal recessive limb-girdle muscular dystrophy type 2J (LGMDR10). Also called: Limb-girdle muscular dystrophy, type 2J; MUSCULAR DYSTROPHY, LIMB-GIRDLE, AUTOSOMAL RECESSIVE 10. Identifiers: Orphanet 140922, MedGen C1837342, MONDO:0012127, OMIM 608807.

Submission:

Labcorp Genetics (formerly Invitae), Labcorp
Classification: Uncertain significance for Dilated cardiomyopathy 1G; Autosomal recessive limb-girdle muscular dystrophy type 2J. Last evaluated: 2022-03-27. Review status: criteria provided, single submitter. Criteria: Invitae Variant Classification Sherloc (09022015). Collection method: clinical testing. Allele origin: germline.
Comment: In summary, the available evidence is currently insufficient to determine the role of this variant in disease. Therefore, it has been classified as a Variant of Uncertain Significance. This variant is located in the M band of TTN (PMID: 25589632). Variants in this region may be relevant for neuromuscular disorders, but have not been definitively shown to cause cardiomyopathy (PMID: 23975875). Experimental studies and prediction algorithms are not available or were not evaluated, and the functional significance of this variant is currently unknown. This variant has not been reported in the literature in individuals affected with TTN-related conditions. This variant is not present in population databases (gnomAD no frequency). This sequence change replaces glutamine, which is neutral and polar, with proline, which is neutral and non-polar, at codon 34806 of the TTN protein (p.Gln34806Pro).

Literature cited by the submitters: PubMed 25589632; PubMed 23975875.